The following is an entry in ClinVar:

ClinVar aggregate classification (germline): Uncertain significance (1 of 4 stars; one submission).

gnomAD v4.1: 8 of 1,550,316 alleles (0.00052%); highest among the groups gnomAD compares: African/African-American, 0.0014%; no homozygotes.

Submission:

GeneDx
Classification: Uncertain significance. Last evaluated: 2025-03-16. Review status: criteria provided, single submitter. Criteria: GeneDx Variant Classification Process June 2021. Collection method: clinical testing. Allele origin: germline. Affected: yes.
Comment: Not observed at significant frequency in large population cohorts (gnomAD); In silico analysis supports that this missense variant has a deleterious effect on protein structure/function; Has not been previously published as pathogenic or benign to our knowledge

NM_001329943.3(KIAA0586):c.3914A>G (p.His1305Arg)

Gene: KIAA0586 (KIAA0586; plus strand). Cytogenetic location: 14q23.1.
Variant type: single nucleotide variant.
Coding change: c.3914A>G on transcript NM_001329943.3 (MANE Select); coding-DNA position 3914, A replaced by G.
Protein change: p.His1305Arg; replaces histidine 1305 with arginine.
Molecular consequence: missense variant. On other transcripts: intron variant (1).
Genome position (GRCh38, 1-based): chr14:58,492,199, A>G. VCF-style: chr14-58492199-A-G. GRCh37 (hg19) VCF-style: chr14-58958917-A-G.
Other names: c.4073A>G, p.His1358Arg (NM_001244189.2); c.3869A>G, p.His1290Arg (NM_001244190.2); c.3659A>G, p.His1220Arg (NM_001244191.2, NM_001329945.2, NM_001364700.1 and 1 more transcripts); c.3782A>G, p.His1261Arg (NM_001244192.2); c.3494A>G, p.His1165Arg (NM_001244193.2); c.3914A>G, p.His1305Arg (NM_001329944.2, NM_001329946.2); c.3686A>G, p.His1229Arg (NM_014749.5); c.3858+1959A>G (NM_001329947.2); short protein forms H1165R, H1220R, H1229R, H1261R, H1290R, H1305R, H1358R.
Identifiers: ClinVar variation 4086555 (VCV004086555.1).